The following is an entry in ClinVar:

NM_003900.5(SQSTM1):c.548G>A (p.Arg183His)

Gene: SQSTM1 (sequestosome 1; plus strand). Cytogenetic location: 5q35.3.
Variant type: single nucleotide variant.
Coding change: c.548G>A on transcript NM_003900.5 (MANE Select); coding-DNA position 548, G replaced by A.
Protein change: p.Arg183His; replaces arginine 183 with histidine.
Molecular consequence: missense variant.
Genome position (GRCh38, 1-based): chr5:179,824,198, G>A. VCF-style: chr5-179824198-G-A. GRCh37 (hg19) VCF-style: chr5-179251198-G-A.
Other names: c.548G>A (NM_003900.4); c.296G>A, p.Arg99His (NM_001142298.2, NM_001142299.2); short protein forms R183H, R99H.
Identifiers: ClinVar variation 1144000 (VCV001144000.11), dbSNP rs535606152, ClinGen allele CA3600563.

ClinVar aggregate classification (germline): Conflicting classifications of pathogenicity. Review status: criteria provided, conflicting classifications (1 of 4 stars). 3 submissions from 3 submitters: Uncertain significance (2); Likely benign (1). Last evaluated 2026-09-22.

Conditions:
SQSTM1-related disorder. Also called: SQSTM1-Related Disorders.
Inborn genetic diseases. Identifiers: MedGen C0950123, MeSH D030342.
Paget disease of bone 2, early-onset (PDB2). Also called: Paget disease of bone 2. Identifiers: MedGen C4085251, MONDO:0011183, OMIM 602080.
Frontotemporal dementia and/or amyotrophic lateral sclerosis 1 (FTDALS1). Also called: Frontotemporal dementia with motor neuron disease 1; C9orf72 Frontotemporal Dementia and/or Amyotrophic Lateral Sclerosis. Identifiers: Orphanet 275872, MedGen C5779877, MONDO:0007105, OMIM 105550.

Allele frequency attached by ClinVar (database versions not stated): gnomAD exomes 0.00002 and 0.00010; gnomAD 0.00003 and 0.00004; TOPMed 0.00005; ExAC 0.00009.
gnomAD v4.1: 32 of 1,613,712 alleles (0.002%); highest among the groups gnomAD compares: East Asian, 0.049%; no homozygotes.

Submissions (3):

PreventionGenetics, part of Exact Sciences
Classification: Uncertain significance for SQSTM1-related condition. Last evaluated: 2026-09-22. Review status: criteria provided, single submitter. Criteria: ACMG Guidelines, 2015. Collection method: clinical testing. Allele origin: germline.
Comment: The SQSTM1 c.548G>A variant is predicted to result in the amino acid substitution p.Arg183His. To our knowledge, this variant has not been reported in the literature. This variant is reported in 0.14% of alleles in individuals of East Asian descent in gnomAD. Although we suspect that this variant may be benign, at this time, the clinical significance of this variant is uncertain due to the absence of conclusive functional and genetic evidence.

Labcorp Genetics (formerly Invitae), Labcorp
Classification: Likely benign for Paget disease of bone 2, early-onset; Frontotemporal dementia and/or amyotrophic lateral sclerosis 1. Last evaluated: 2025-09-19. Review status: criteria provided, single submitter. Criteria: Invitae Variant Classification Sherloc (09022015). Collection method: clinical testing. Allele origin: germline.

Ambry Genetics
Classification: Uncertain significance for Inborn genetic diseases. Last evaluated: 2024-03-26. Review status: criteria provided, single submitter. Criteria: Ambry Variant Classification Scheme 2023. Collection method: clinical testing. Allele origin: germline.